The following is an entry in ClinVar:

NM_017934.7(PHIP):c.1802G>T (p.Arg601Ile)

Gene: PHIP (PHIP subunit of CUL4-Ring ligase complex; minus strand). Cytogenetic location: 6q14.1.
Variant type: single nucleotide variant.
Coding change: c.1802G>T on transcript NM_017934.7 (MANE Select); coding-DNA position 1802, G replaced by T.
Protein change: p.Arg601Ile; replaces arginine 601 with isoleucine.
Molecular consequence: missense variant.
Genome position (GRCh38, 1-based): chr6:79,001,976, C>A on the plus strand (G>T on the coding strand, the complement: PHIP is on the minus strand). VCF-style: chr6-79001976-C-A. GRCh37 (hg19) VCF-style: chr6-79711693-C-A.
Other names: short protein forms R601I.
Identifiers: ClinVar variation 2442692 (VCV002442692.1), dbSNP rs764778456, ClinGen allele CA364631452.

ClinVar aggregate classification (germline): Uncertain significance (1 of 4 stars; one submission).

Submission:

GeneDx
Classification: Uncertain significance. Last evaluated: 2022-09-02. Review status: criteria provided, single submitter. Criteria: GeneDx Variant Classification Process June 2021. Collection method: clinical testing. Allele origin: germline. Affected: yes.
Comment: Not observed at significant frequency in large population cohorts (gnomAD); In silico analysis supports that this missense variant has a deleterious effect on protein structure/function; Has not been previously published as pathogenic or benign to our knowledge